The following is an entry in ClinVar:

NM_000321.3(RB1):c.2300A>C (p.Asn767Thr)

Gene: RB1 (RB transcriptional corepressor 1; plus strand). Cytogenetic location: 13q14.2.
Variant type: single nucleotide variant.
Coding change: c.2300A>C on transcript NM_000321.3 (MANE Select); coding-DNA position 2300, A replaced by C.
Protein change: p.Asn767Thr; replaces asparagine 767 with threonine.
Molecular consequence: missense variant.
Genome position (GRCh38, 1-based): chr13:48,465,086, A>C. VCF-style: chr13-48465086-A-C. GRCh37 (hg19) VCF-style: chr13-49039222-A-C.
Other names: c.2300A>C, p.Asn767Thr (NM_001407165.1); short protein forms N767T.
Identifiers: ClinVar variation 4824138 (VCV004824138.1).

ClinVar aggregate classification (germline): Uncertain significance (1 of 4 stars; one submission).

Conditions:
Hereditary cancer-predisposing syndrome. Also called: Neoplastic Syndromes, Hereditary; Hereditary neoplastic syndrome; Tumor predisposition; Hereditary Cancer Syndrome. Identifiers: Orphanet 140162, MedGen C0027672, MeSH D009386, MONDO:0015356.

Submission:

Ambry Genetics
Classification: Uncertain significance for Hereditary cancer-predisposing syndrome. Last evaluated: 2026-02-03. Review status: criteria provided, single submitter. Criteria: Ambry Variant Classification Scheme 2023. Collection method: clinical testing. Allele origin: germline.
Comment: The p.N767T variant (also known as c.2300A>C), located in coding exon 22 of the RB1 gene, results from an A to C substitution at nucleotide position 2300. The asparagine at codon 767 is replaced by threonine, an amino acid with similar properties. This amino acid position is highly conserved in available vertebrate species. In addition, the in silico prediction for this alteration is inconclusive. Based on the available evidence, the clinical significance of this variant remains unclear.